The following is an entry in ClinVar:

NM_004092.4(ECHS1):c.7G>C (p.Ala3Pro)

Genes: ECHS1 (enoyl-CoA hydratase, short chain 1; minus strand), LOC130005023 (ATAC-STARR-seq lymphoblastoid silent region 2977; plus strand). Cytogenetic location: 10q26.3.
Variant type: single nucleotide variant.
Coding change: c.7G>C on transcript NM_004092.4 (MANE Select); coding-DNA position 7, G replaced by C.
Protein change: p.Ala3Pro; replaces alanine 3 with proline.
Molecular consequence: missense variant.
Genome position (GRCh38, 1-based): chr10:133,373,327, C>G on the plus strand (G>C on the coding strand, the complement: ECHS1 is on the minus strand). VCF-style: chr10-133373327-C-G. GRCh37 (hg19) VCF-style: chr10-135186831-C-G.
Other names: short protein forms A3P.
Identifiers: ClinVar variation 3672563 (VCV003672563.2).

ClinVar aggregate classification (germline): Likely pathogenic (1 of 4 stars; one submission).

Submission:

Labcorp Genetics (formerly Invitae), Labcorp
Classification: Likely pathogenic. Last evaluated: 2024-10-30. Review status: criteria provided, single submitter. Criteria: Invitae Variant Classification Sherloc (09022015). Collection method: clinical testing. Allele origin: germline.
Comment: This sequence change replaces alanine, which is neutral and non-polar, with proline, which is neutral and non-polar, at codon 3 of the ECHS1 protein (p.Ala3Pro). This variant is not present in population databases (gnomAD no frequency). This variant has not been reported in the literature in individuals affected with ECHS1-related conditions. Invitae Evidence Modeling of protein sequence and biophysical properties (such as structural, functional, and spatial information, amino acid conservation, physicochemical variation, residue mobility, and thermodynamic stability) indicates that this missense variant is expected to disrupt ECHS1 protein function with a positive predictive value of 95%. This variant disrupts the p.Ala3 amino acid residue in ECHS1. Other variant(s) that disrupt this residue have been determined to be pathogenic (PMID: 26920905; 28202214)). This suggests that this residue is clinically significant, and that variants that disrupt this residue are likely to be disease-causing. In summary, the currently available evidence indicates that the variant is pathogenic, but additional data are needed to prove that conclusively. Therefore, this variant has been classified as Likely Pathogenic.

Literature cited by the submitters: PubMed 26920905; PubMed 28202214.